The following is an entry in ClinVar:

NM_173354.5(SIK1):c.339T>G (p.Asp113Glu)

Gene: SIK1 (salt inducible kinase 1; minus strand). Cytogenetic location: 21q22.3.
Variant type: single nucleotide variant.
Coding change: c.339T>G on transcript NM_173354.5 (MANE Select); coding-DNA position 339, T replaced by G.
Protein change: p.Asp113Glu; replaces aspartic acid 113 with glutamic acid.
Molecular consequence: missense variant.
Genome position (GRCh38, 1-based): chr21:43,421,798, A>C on the plus strand (T>G on the coding strand, the complement: SIK1 is on the minus strand). VCF-style: chr21-43421798-A-C. GRCh37 (hg19) VCF-style: chr21-44841678-A-C.
Other names: short protein forms D113E.
Identifiers: ClinVar variation 1014839 (VCV001014839.9), dbSNP rs2081057328, ClinGen allele CA410610431.

ClinVar aggregate classification (germline): Uncertain significance (1 of 4 stars; one submission).

Conditions:
Developmental and epileptic encephalopathy, 30 (DEE30). Also called: Epileptic encephalopathy, early infantile, 30. Identifiers: MedGen C4225360, MONDO:0014595, OMIM 616341.

Submission:

Labcorp Genetics (formerly Invitae), Labcorp
Classification: Uncertain significance for Developmental and epileptic encephalopathy, 30. Last evaluated: 2020-12-01. Review status: criteria provided, single submitter. Criteria: Invitae Variant Classification Sherloc (09022015). Collection method: clinical testing. Allele origin: germline.
Comment: Algorithms developed to predict the effect of missense changes on protein structure and function (SIFT, PolyPhen-2, Align-GVGD) all suggest that this variant is likely to be disruptive, but these predictions have not been confirmed by published functional studies and their clinical significance is uncertain. This sequence change replaces aspartic acid with glutamic acid at codon 113 of the SIK1 protein (p.Asp113Glu). The aspartic acid residue is highly conserved and there is a small physicochemical difference between aspartic acid and glutamic acid. This variant is not present in population databases (ExAC no frequency). This variant has not been reported in the literature in individuals with SIK1-related conditions. In summary, the available evidence is currently insufficient to determine the role of this variant in disease. Therefore, it has been classified as a Variant of Uncertain Significance.